The following is an entry in ClinVar:

ClinVar aggregate classification (germline): Uncertain significance (1 of 4 stars; one submission).

Conditions:
Wilson disease (WND). Also called: Wilson's disease. Identifiers: Orphanet 905, MedGen C0019202, MONDO:0010200, OMIM 277900. Disease mechanism: loss of function.

Submission:

Labcorp Genetics (formerly Invitae), Labcorp
Classification: Uncertain significance for Wilson disease. Last evaluated: 2021-06-09. Review status: criteria provided, single submitter. Criteria: Invitae Variant Classification Sherloc (09022015). Collection method: clinical testing. Allele origin: germline.
Comment: This sequence change replaces leucine with arginine at codon 1371 of the ATP7B protein (p.Leu1371Arg). The leucine residue is highly conserved and there is a moderate physicochemical difference between leucine and arginine. This variant is not present in population databases (ExAC no frequency). This variant has not been reported in the literature in individuals with ATP7B-related conditions. ClinVar contains an entry for this variant (Variation ID: 959638). Advanced modeling of protein sequence and biophysical properties (such as structural, functional, and spatial information, amino acid conservation, physicochemical variation, residue mobility, and thermodynamic stability) performed at Invitae indicates that this missense variant is expected to disrupt ATP7B protein function. In summary, the available evidence is currently insufficient to determine the role of this variant in disease. Therefore, it has been classified as a Variant of Uncertain Significance.

NM_000053.4(ATP7B):c.4112T>G (p.Leu1371Arg)

Gene: ATP7B (ATPase copper transporting beta; minus strand). Cytogenetic location: 13q14.3.
Variant type: single nucleotide variant.
Coding change: c.4112T>G on transcript NM_000053.4 (MANE Select); coding-DNA position 4112, T replaced by G.
Protein change: p.Leu1371Arg; replaces leucine 1371 with arginine.
Molecular consequence: missense variant.
Genome position (GRCh38, 1-based): chr13:51,935,605, A>C on the plus strand (T>G on the coding strand, the complement: ATP7B is on the minus strand). VCF-style: chr13-51935605-A-C. GRCh37 (hg19) VCF-style: chr13-52509741-A-C.
Other names: c.3491T>G, p.Leu1164Arg (NM_001005918.3); c.3779T>G, p.Leu1260Arg (NM_001243182.2); c.3878T>G, p.Leu1293Arg (NM_001330578.2); c.3860T>G, p.Leu1287Arg (NM_001330579.2); short protein forms L1164R, L1371R, L1260R, L1287R, L1293R.
Identifiers: ClinVar variation 959638 (VCV000959638.9), dbSNP rs1444841250, ClinGen allele CA388019985.
Genomic context (GRCh38, chr13:51,935,605, plus strand): 5'-AAGGCCTCCTGGGAGCCTCCCACAGATGCTCCACCTGAGGGGACTCACCACTTGAGCTGC[A>C]GGGATGAGAGCACCACAGACACAGAGGAGGCTGCCATGGCCGCTGAGCCCATCCAGGGCT-3'
Protein context (NP_000044.2, residues 1361-1381): ASSVSVVLSS[Leu1371Arg]QLKCYKKPDL